The following is an entry in ClinVar:

NM_007118.4(TRIO):c.4504C>T (p.Arg1502Ter)

Gene: TRIO (trio Rho guanine nucleotide exchange factor; plus strand). Cytogenetic location: 5p15.2.
Variant type: single nucleotide variant.
Coding change: c.4504C>T on transcript NM_007118.4 (MANE Select); coding-DNA position 4504, C replaced by T.
Protein change: p.Arg1502Ter; replaces arginine 1502 with a stop codon.
Molecular consequence: nonsense. On other transcripts: non-coding transcript variant (1).
Genome position (GRCh38, 1-based): chr5:14,398,960, C>T. VCF-style: chr5-14398960-C-T. GRCh37 (hg19) VCF-style: chr5-14399069-C-T.
Other names: short protein forms R1502*.
Identifiers: ClinVar variation 2501980 (VCV002501980.2), dbSNP rs888023247, ClinGen allele CA359234683.

ClinVar aggregate classification (germline): Pathogenic (1 of 4 stars; one submission).

Submission:

GeneDx
Classification: Pathogenic. Last evaluated: 2024-09-29. Review status: criteria provided, single submitter. Criteria: GeneDx Variant Classification Process June 2021. Collection method: clinical testing. Allele origin: germline.
Comment: Nonsense variant predicted to result in protein truncation or nonsense mediated decay in a gene for which loss of function is a known mechanism of disease; Not observed at significant frequency in large population cohorts (gnomAD); Has not been previously published as pathogenic or benign to our knowledge